The following is an entry in ClinVar:

NM_031935.3(HMCN1):c.11134C>T (p.Pro3712Ser)

Gene: HMCN1 (hemicentin 1; plus strand). Cytogenetic location: 1q31.1.
Variant type: single nucleotide variant.
Coding change: c.11134C>T on transcript NM_031935.3 (MANE Select); coding-DNA position 11134, C replaced by T.
Protein change: p.Pro3712Ser; replaces proline 3712 with serine.
Molecular consequence: missense variant.
Genome position (GRCh38, 1-based): chr1:186,113,981, C>T. VCF-style: chr1-186113981-C-T. GRCh37 (hg19) VCF-style: chr1-186083113-C-T.
Other names: short protein forms P3712S.
Identifiers: ClinVar variation 294225 (VCV000294225.13), dbSNP rs141099682, ClinGen allele CA1293948.

ClinVar aggregate classification (germline): Conflicting classifications of pathogenicity. Review status: criteria provided, conflicting classifications (1 of 4 stars). 4 submissions from 4 submitters: Uncertain significance (2); Likely benign (2). Last evaluated 2026-07-31.

Conditions:
Age related macular degeneration 1 (ARMD1). Also called: MACULOPATHY, AGE-RELATED, 1. Identifiers: MedGen C1864205, MONDO:0011285, OMIM 603075.
HMCN1-related disorder. Also called: HMCN1-related condition.

Allele frequency attached by ClinVar (database versions not stated): gnomAD 0.00036 and 0.00040; TOPMed 0.00036; gnomAD exomes 0.00043 and 0.00096; ExAC 0.00045; ESP Exome Variant Server 0.00077.
gnomAD v4.1: 1,438 of 1,613,848 alleles (0.089%); highest among the groups gnomAD compares: Non-Finnish European, 0.12%; 2 homozygotes.

Submissions (4):

PreventionGenetics, part of Exact Sciences
Classification: Likely benign for HMCN1-related condition. Last evaluated: 2026-07-31. Review status: criteria provided, single submitter. Criteria: ACMG Guidelines, 2015. Collection method: clinical testing. Allele origin: germline.
Comment: This variant is classified as likely benign based on ACMG/AMP sequence variant interpretation guidelines (Richards et al. 2015 PMID: 25741868, with internal and published modifications).

Labcorp Genetics (formerly Invitae), Labcorp
Classification: Likely benign. Last evaluated: 2025-10-29. Review status: criteria provided, single submitter. Criteria: Invitae Variant Classification Sherloc (09022015). Collection method: clinical testing. Allele origin: germline.

Ambry Genetics
Classification: Uncertain significance. Last evaluated: 2025-01-19. Review status: criteria provided, single submitter. Criteria: Ambry Variant Classification Scheme 2023. Collection method: clinical testing. Allele origin: germline.
Comment: The c.11134C>T (p.P3712S) alteration is located in exon 73 (coding exon 73) of the HMCN1 gene. This alteration results from a C to T substitution at nucleotide position 11134, causing the Proline (P) at amino acid position 3712 to be replaced by a Serine (S). Based on insufficient or conflicting evidence, the clinical significance of this alteration remains unclear.

Illumina Laboratory Services, Illumina
Classification: Uncertain significance for Age related macular degeneration 1. Last evaluated: 2018-01-12. Review status: criteria provided, single submitter. Criteria: ICSL Variant Classification Criteria 13 December 2019. Collection method: clinical testing. Allele origin: germline.